The following is an entry in ClinVar:

ClinVar aggregate classification (germline): Pathogenic/Likely pathogenic. Review status: criteria provided, multiple submitters, no conflicts (2 of 4 stars). 5 submissions from 5 submitters: Pathogenic (3); Likely pathogenic (2). Last evaluated 2025-05-13.

Conditions:
Autosomal recessive osteopetrosis 1. Also called: ALBERS-SCHONBERG DISEASE, AUTOSOMAL RECESSIVE; TCIRG1-Related Osteopetrosis; TCIRG1-Related Autosomal Recessive Osteopetrosis. Identifiers: Orphanet 667, MedGen C1850127, MONDO:0009815, OMIM 259700.

gnomAD v4.1: 1 of 1,605,418 alleles (0.000062%); no homozygotes.

Submissions (5):

Revvity Omics, Revvity
Classification: Pathogenic for Autosomal recessive osteopetrosis 1. Last evaluated: 2025-05-13. Review status: criteria provided, single submitter. Criteria: ACMG Guidelines, 2015. Collection method: clinical testing. Allele origin: germline.

Baylor Genetics
Classification: Pathogenic for Autosomal recessive osteopetrosis 1. Last evaluated: 2024-01-16. Review status: criteria provided, single submitter. Criteria: ACMG Guidelines, 2015. Collection method: clinical testing. Allele origin: unknown.

Neuberg Centre For Genomic Medicine, NCGM
Classification: Likely pathogenic for Autosomal recessive osteopetrosis 1. Last evaluated: 2023-02-14. Review status: criteria provided, single submitter. Criteria: ACMG Guidelines, 2015. Collection method: clinical testing. Allele origin: germline. Inheritance: Autosomal recessive inheritance. Affected: yes.

Labcorp Genetics (formerly Invitae), Labcorp
Classification: Likely pathogenic. Last evaluated: 2022-11-12. Review status: criteria provided, single submitter. Criteria: Invitae Variant Classification Sherloc (09022015). Collection method: clinical testing. Allele origin: germline.
Comment: This sequence change affects a donor splice site in intron 3 of the TCIRG1 gene. It is expected to disrupt RNA splicing. Variants that disrupt the donor or acceptor splice site typically lead to a loss of protein function (PMID: 16199547), and loss-of-function variants in TCIRG1 are known to be pathogenic (PMID: 10888887, 10942435, 11532986, 19448635). This variant is not present in population databases (gnomAD no frequency). Disruption of this splice site has been observed in individual(s) with osteopetrosis (PMID: 25018813). ClinVar contains an entry for this variant (Variation ID: 1068056). Algorithms developed to predict the effect of sequence changes on RNA splicing suggest that this variant may disrupt the consensus splice site. In summary, the currently available evidence indicates that the variant is pathogenic, but additional data are needed to prove that conclusively. Therefore, this variant has been classified as Likely Pathogenic.

Molecular Lab, Department of Haematology, Christian Medical College
Classification: Pathogenic for Autosomal recessive osteopetrosis 1. Last evaluated: 2022-05-20. Review status: criteria provided, single submitter. Criteria: ACMG Guidelines, 2015. Collection method: clinical testing. Allele origin: germline. Affected: yes. Observed: 1 variant allele.

Literature cited by the submitters: PubMed 16199547 (cited by Labcorp Genetics (formerly Invitae), Labcorp); PubMed 10888887 (cited by Labcorp Genetics (formerly Invitae), Labcorp); PubMed 10942435 (cited by Labcorp Genetics (formerly Invitae), Labcorp); PubMed 11532986 (cited by Labcorp Genetics (formerly Invitae), Labcorp); PubMed 19448635 (cited by Labcorp Genetics (formerly Invitae), Labcorp); PubMed 25018813 (cited by Labcorp Genetics (formerly Invitae), Labcorp).

NM_006019.4(TCIRG1):c.196+1G>T

Gene: TCIRG1 (T cell immune regulator 1, ATPase H+ transporting V0 subunit a3; plus strand). Cytogenetic location: 11q13.2.
Variant type: single nucleotide variant.
Coding change: c.196+1G>T on transcript NM_006019.4 (MANE Select); the canonical splice donor site of the intron after coding-DNA position 196, G replaced by T.
Molecular consequence: splice donor variant.
Genome position (GRCh38, 1-based): chr11:68,041,832, G>T. VCF-style: chr11-68041832-G-T. GRCh37 (hg19) VCF-style: chr11-67809299-G-T.
Other names: c.-1054+1G>T (NM_001351059.2).
Identifiers: ClinVar variation 1068056 (VCV001068056.14), dbSNP rs2134432498, ClinGen allele CA381574984.